The following is an entry in ClinVar:

NM_015346.4(ZFYVE26):c.2057G>T (p.Gly686Val)

Gene: ZFYVE26 (zinc finger FYVE-type containing 26; minus strand). Cytogenetic location: 14q24.1.
Variant type: single nucleotide variant.
Coding change: c.2057G>T on transcript NM_015346.4 (MANE Select); coding-DNA position 2057, G replaced by T.
Protein change: p.Gly686Val; replaces glycine 686 with valine.
Molecular consequence: missense variant.
Genome position (GRCh38, 1-based): chr14:67,798,205, C>A on the plus strand (G>T on the coding strand, the complement: ZFYVE26 is on the minus strand). VCF-style: chr14-67798205-C-A. GRCh37 (hg19) VCF-style: chr14-68264922-C-A.
Other names: short protein forms G686V.
Identifiers: ClinVar variation 2051244 (VCV002051244.4), dbSNP rs2039998463, ClinGen allele CA390175271.

ClinVar aggregate classification (germline): Uncertain significance (1 of 4 stars; one submission).

Conditions:
Spastic paraplegia. Identifiers: MedGen C0037772, HP:0001258.

Allele frequency attached by ClinVar (database versions not stated): TOPMed below 0.00001.
gnomAD v4.1: 2 of 1,614,148 alleles (0.00012%); highest among the groups gnomAD compares: Non-Finnish European, 0.00017%; no homozygotes.

Submission:

Labcorp Genetics (formerly Invitae), Labcorp
Classification: Uncertain significance for Spastic paraplegia. Last evaluated: 2022-03-15. Review status: criteria provided, single submitter. Criteria: Invitae Variant Classification Sherloc (09022015). Collection method: clinical testing. Allele origin: germline.
Comment: Algorithms developed to predict the effect of missense changes on protein structure and function are either unavailable or do not agree on the potential impact of this missense change (SIFT: "Deleterious"; PolyPhen-2: "Possibly Damaging"; Align-GVGD: "Class C15"). In summary, the available evidence is currently insufficient to determine the role of this variant in disease. Therefore, it has been classified as a Variant of Uncertain Significance. This variant has not been reported in the literature in individuals affected with ZFYVE26-related conditions. This sequence change replaces glycine, which is neutral and non-polar, with valine, which is neutral and non-polar, at codon 686 of the ZFYVE26 protein (p.Gly686Val). This variant is not present in population databases (gnomAD no frequency).